The following is an entry in ClinVar:

ClinVar aggregate classification (germline): Pathogenic. Review status: criteria provided, single submitter (1 of 4 stars). 2 submissions from 2 submitters: Pathogenic (1). 1 of the submissions does not count toward it. Last evaluated 2022-07-18.

Conditions:
Neurofibromatosis, type 1 (NF1). Also called: Peripheral type neurofibromatosis; Neurofibromatosis, type I; VON RECKLINGHAUSEN DISEASE; NEUROFIBROMATOSIS, TYPE I, SOMATIC. Identifiers: Orphanet 636, MedGen C0027831, MONDO:0018975, OMIM 162200. Disease mechanism: loss of function.

Submissions (2):

Labcorp Genetics (formerly Invitae), Labcorp
Classification: Pathogenic for Neurofibromatosis, type 1. Last evaluated: 2022-07-18. Review status: criteria provided, single submitter. Criteria: Invitae Variant Classification Sherloc (09022015). Collection method: clinical testing. Allele origin: germline.
Comment: For these reasons, this variant has been classified as Pathogenic. ClinVar contains an entry for this variant (Variation ID: 1048698). This variant is also known as p.Tyr1680*. This premature translational stop signal has been observed in individual(s) with clinical features of Neurofibromatosis, type 1 (PMID: 30308447). This variant is not present in population databases (gnomAD no frequency). This sequence change creates a premature translational stop signal (p.Tyr1659*) in the NF1 gene. It is expected to result in an absent or disrupted protein product. Loss-of-function variants in NF1 are known to be pathogenic (PMID: 10712197, 23913538).

Laboratory of Medical Genetics, National & Kapodistrian University of Athens
Classification: Pathogenic for Neurofibromatosis, type 1. Last evaluated: 2019-01-01. Review status: no assertion criteria provided. Collection method: clinical testing. Allele origin: germline. Affected: yes. Not counted in ClinVar's aggregate classification.

Literature cited by the submitters: PubMed 30308447 (cited by Labcorp Genetics (formerly Invitae), Labcorp); PubMed 10712197 (cited by Labcorp Genetics (formerly Invitae), Labcorp); PubMed 23913538 (cited by Labcorp Genetics (formerly Invitae), Labcorp).

NM_001042492.3(NF1):c.5040T>A (p.Tyr1680Ter)

Gene: NF1 (neurofibromin 1; plus strand). Cytogenetic location: 17q11.2.
Variant type: single nucleotide variant.
Coding change: c.5040T>A on transcript NM_001042492.3 (MANE Select); coding-DNA position 5040, T replaced by A.
Protein change: p.Tyr1680Ter; replaces tyrosine 1680 with a stop codon.
Molecular consequence: nonsense.
Genome position (GRCh38, 1-based): chr17:31,326,024, T>A. VCF-style: chr17-31326024-T-A. GRCh37 (hg19) VCF-style: chr17-29653042-T-A.
Other names: c.4977T>A, p.Tyr1659Ter (NM_000267.4); short protein forms Y1659*, Y1680*.
Identifiers: ClinVar variation 1048698 (VCV001048698.6), dbSNP rs1555533351, ClinGen allele CA399007373.